The following is an entry in ClinVar:

NM_001128.6(AP1G1):c.742C>T (p.Arg248Ter)

Gene: AP1G1 (adaptor related protein complex 1 subunit gamma 1; minus strand). Cytogenetic location: 16q22.2.
Variant type: single nucleotide variant.
Coding change: c.742C>T on transcript NM_001128.6 (MANE Select); coding-DNA position 742, C replaced by T.
Protein change: p.Arg248Ter; replaces arginine 248 with a stop codon.
Molecular consequence: nonsense.
Genome position (GRCh38, 1-based): chr16:71,764,723, G>A on the plus strand (C>T on the coding strand, the complement: AP1G1 is on the minus strand). VCF-style: chr16-71764723-G-A. GRCh37 (hg19) VCF-style: chr16-71798626-G-A.
Other names: c.751C>T, p.Arg251Ter (NM_001030007.2); short protein forms R248*, R251*.
Identifiers: ClinVar variation 4851461 (VCV004851461.1).

ClinVar aggregate classification (germline): Pathogenic (1 of 4 stars; one submission).

Conditions:
Usmani-Riazuddin syndrome, autosomal dominant (USRISD). Identifiers: MedGen C5561952, MONDO:0859174, OMIM 619467.

Submission:

Institute of Immunology and Genetics Kaiserslautern
Classification: Pathogenic for Usmani-Riazuddin syndrome, autosomal dominant. Last evaluated: 2026-01-12. Review status: criteria provided, single submitter. Criteria: ACMG Guidelines, 2015. Collection method: clinical testing. Allele origin: de novo. Affected: yes.
Comment: ACMG Criteria: PVS1, PS2, PM2; Variant was found in a heterozygous state. De novo-status was confirmed via in-house segregation analysis.